The following is an entry in ClinVar:

NM_001267550.2(TTN):c.86975del (p.Cys28992fs)

Genes: TTN (titin; minus strand), TTN-AS1 (TTN antisense RNA 1; plus strand). Cytogenetic location: 2q31.2.
Variant type: Deletion.
Coding change: c.86975del on transcript NM_001267550.2 (MANE Select); coding-DNA position 86975, one base deleted (G; older notation c.86975delG).
Protein change: p.Cys28992fs; shifts the reading frame from cysteine 28992.
Molecular consequence: frameshift variant.
Genome position (GRCh38, 1-based): chr2:178,558,484, C deleted on the plus strand (G on the coding strand, the reverse complement: TTN is on the minus strand). VCF-style (leftmost placement, unchanged base first): chr2-178558483-AC-A. GRCh37 (hg19) VCF-style: chr2-179423210-AC-A.
Other names: c.82052del, p.Cys27351fs (NM_001256850.1); c.59780del, p.Cys19927fs (NM_003319.4); c.79271del, p.Cys26424fs (NM_133378.4); c.60155del, p.Cys20052fs (NM_133432.3); c.60356del, p.Cys20119fs (NM_133437.4); short protein forms C19927fs, C20119fs, C26424fs, C20052fs, C27351fs, C28992fs.
Identifiers: ClinVar variation 2028674 (VCV002028674.4), dbSNP rs2469572914, ClinGen allele CA2580064791.

ClinVar aggregate classification (germline): Likely pathogenic (1 of 4 stars; one submission).

Conditions:
Dilated cardiomyopathy 1G (CMD1G). Identifiers: Orphanet 154, MedGen C1858763, MONDO:0011400, OMIM 604145.
Autosomal recessive limb-girdle muscular dystrophy type 2J (LGMDR10). Also called: Limb-girdle muscular dystrophy, type 2J; MUSCULAR DYSTROPHY, LIMB-GIRDLE, AUTOSOMAL RECESSIVE 10. Identifiers: Orphanet 140922, MedGen C1837342, MONDO:0012127, OMIM 608807.

Submission:

Labcorp Genetics (formerly Invitae), Labcorp
Classification: Likely pathogenic for Dilated cardiomyopathy 1G; Autosomal recessive limb-girdle muscular dystrophy type 2J. Last evaluated: 2022-10-07. Review status: criteria provided, single submitter. Criteria: Invitae Variant Classification Sherloc (09022015). Collection method: clinical testing. Allele origin: germline.
Comment: In summary, the currently available evidence indicates that the variant is pathogenic, but additional data are needed to prove that conclusively. Therefore, this variant has been classified as Likely Pathogenic. This variant is located in the A band of TTN (PMID: 25589632). Truncating variants in this region are significantly overrepresented in patients affected with dilated cardiomyopathy (PMID: 25589632). Truncating variants in this region have also been reported in individuals affected with autosomal recessive centronuclear myopathy (PMID: 23975875). This premature translational stop signal has been observed in individual(s) with clinical features of autosomal recessive TTN-related conditions (Invitae). This variant is not present in population databases (gnomAD no frequency). This sequence change creates a premature translational stop signal (p.Cys28992Leufs*14) in the TTN gene. While this is not anticipated to result in nonsense mediated decay, it is expected to create a truncated TTN protein.

Literature cited by the submitters: PubMed 25589632; PubMed 23975875.